The following is an entry in ClinVar:

ClinVar aggregate classification (germline): Uncertain significance (1 of 4 stars; one submission).

Conditions:
Pityriasis rubra pilaris (PRP). Also called: Pityriasis rubra pilaris--familial type. Identifiers: Orphanet 2897, MedGen C0032027, MONDO:0100017, OMIM 173200, MONDO:0008251.
Psoriasis 2. Identifiers: MedGen C1864497, MONDO:0011269, OMIM 602723.

gnomAD v4.1: 2 of 1,609,286 alleles (0.00012%); highest among the groups gnomAD compares: Non-Finnish European, 0.00017%; no homozygotes.

Submission:

Labcorp Genetics (formerly Invitae), Labcorp
Classification: Uncertain significance for Pityriasis rubra pilaris; Psoriasis 2. Last evaluated: 2023-05-19. Review status: criteria provided, single submitter. Criteria: Invitae Variant Classification Sherloc (09022015). Collection method: clinical testing. Allele origin: germline.
Comment: This variant has not been reported in the literature in individuals affected with CARD14-related conditions. This sequence change falls in intron 20 of the CARD14 gene. It does not directly change the encoded amino acid sequence of the CARD14 protein. It affects a nucleotide within the consensus splice site. This variant is not present in population databases (gnomAD no frequency). Variants that disrupt the consensus splice site are a relatively common cause of aberrant splicing (PMID: 17576681, 9536098). Algorithms developed to predict the effect of sequence changes on RNA splicing suggest that this variant may disrupt the consensus splice site. In summary, the available evidence is currently insufficient to determine the role of this variant in disease. Therefore, it has been classified as a Variant of Uncertain Significance.

Literature cited by the submitters: PubMed 17576681; PubMed 9536098.

NM_001366385.1(CARD14):c.2807+2T>C

Genes: SGSH (N-sulfoglucosamine sulfohydrolase; minus strand), CARD14 (caspase recruitment domain family member 14; plus strand). Cytogenetic location: 17q25.3.
Variant type: single nucleotide variant.
Coding change: c.2807+2T>C on transcript NM_001366385.1 (MANE Select); the canonical splice donor site of the intron after coding-DNA position 2807, T replaced by C.
Molecular consequence: splice donor variant.
Genome position (GRCh38, 1-based): chr17:80,207,087, T>C. VCF-style: chr17-80207087-T-C. GRCh37 (hg19) VCF-style: chr17-78180886-T-C.
Other names: c.2807+2T>C (NM_024110.4).
Identifiers: ClinVar variation 2947933 (VCV002947933.3), dbSNP rs2510800975, ClinGen allele CA401357113.
Genomic context (GRCh38, chr17:80,207,087, plus strand): 5'-GACATCTTCCCCATCGTCATCCACGTCTCTGTCAACGAGAAGATGGCAAAGAAGCTCAAG[T>C]AGGTGCACGCTGGGGGCTGGGCAGGGGCTTCGAAGCGGCTCCTGGGCTCCCCCAAAGCCC-3'